The following is an entry in ClinVar:

NM_000891.3(KCNJ2):c.244C>T (p.Arg82Trp)

Gene: KCNJ2 (potassium inwardly rectifying channel subfamily J member 2; plus strand). Cytogenetic location: 17q24.3.
Variant type: single nucleotide variant.
Coding change: c.244C>T on transcript NM_000891.3 (MANE Select); coding-DNA position 244, C replaced by T.
Protein change: p.Arg82Trp; replaces arginine 82 with tryptophan.
Molecular consequence: missense variant.
Genome position (GRCh38, 1-based): chr17:70,175,283, C>T. VCF-style: chr17-70175283-C-T. GRCh37 (hg19) VCF-style: chr17-68171424-C-T.
Other names: c.244C>T (LRG_328t1); short protein forms R82W.
Identifiers: ClinVar variation 67568 (VCV000067568.21), dbSNP rs199473373, ClinGen allele CA145013.

ClinVar aggregate classification (germline): Pathogenic. Review status: criteria provided, multiple submitters, no conflicts (2 of 4 stars). 9 submissions from 9 submitters: Pathogenic (7). 2 of the submissions do not count toward it. Last evaluated 2026-01-04.

Conditions:
Cardiovascular phenotype. Identifiers: MedGen CN230736.
KCNJ2-related disorder. Also called: KCNJ2-related condition.
Ventricular tachycardia. Identifiers: MedGen C0042514, MONDO:0005477, HP:0004756.
Andersen Tawil syndrome (LQT7). Also called: Potassium-sensitive periodic paralysis, ventricular ectopy, and dysmorphic features; LONG QT SYNDROME 7; Andersen Syndrome; PERIODIC PARALYSIS, POTASSIUM-SENSITIVE CARDIODYSRHYTHMIC TYPE; ANDERSEN CARDIODYSRHYTHMIC PERIODIC PARALYSIS. Identifiers: Orphanet 37553, MedGen C1563715, MONDO:0008222, OMIM 170390.
Short QT syndrome type 3. Identifiers: Orphanet 51083, MedGen C1865018, MONDO:0012314, OMIM 609622.
Atrial fibrillation, familial, 9 (ATFB9). Identifiers: MedGen C3151431, MONDO:0013513, OMIM 613980.
Supraventricular tachycardia. Identifiers: MedGen C0039240, HP:0004755.

Allele frequency attached by ClinVar (database versions not stated): gnomAD exomes below 0.00001.
gnomAD v4.1: 3 of 1,614,182 alleles (0.00019%); highest among the groups gnomAD compares: Admixed American, 0.0017%; no homozygotes.

Submissions (9):

Labcorp Genetics (formerly Invitae), Labcorp
Classification: Pathogenic for Short QT syndrome type 3; Andersen Tawil syndrome. Last evaluated: 2026-01-04. Review status: criteria provided, single submitter. Criteria: Invitae Variant Classification Sherloc (09022015). Collection method: clinical testing. Allele origin: germline.
Comment: This sequence change replaces arginine, which is basic and polar, with tryptophan, which is neutral and slightly polar, at codon 82 of the KCNJ2 protein (p.Arg82Trp). This variant is not present in population databases (gnomAD no frequency). This missense change has been observed in individuals with catecholaminergic polymorphic ventricular tachycardia (PMID: 16818210). ClinVar contains an entry for this variant (Variation ID: 67568). Invitae Evidence Modeling of protein sequence and biophysical properties (such as structural, functional, and spatial information, amino acid conservation, physicochemical variation, residue mobility, and thermodynamic stability) indicates that this missense variant is expected to disrupt KCNJ2 protein function with a positive predictive value of 95%. Experimental studies have shown that this missense change affects KCNJ2 function (PMID: 17341397, 22589293). This variant disrupts the p.Arg82 amino acid residue in KCNJ2. Other variant(s) that disrupt this residue have been determined to be pathogenic (PMID: 16217063, 22589293, 22806368, 23644778). This suggests that this residue is clinically significant, and that variants that disrupt this residue are likely to be disease-causing. For these reasons, this variant has been classified as Pathogenic.

Ambry Genetics
Classification: Pathogenic for Cardiovascular phenotype. Last evaluated: 2024-12-02. Review status: criteria provided, single submitter. Criteria: Ambry Variant Classification Scheme 2023. Collection method: clinical testing. Allele origin: germline.
Comment: The p.R82W pathogenic mutation (also known as c.244C>T), located in coding exon 1 of the KCNJ2 gene, results from a C to T substitution at nucleotide position 244. The arginine at codon 82 is replaced by tryptophan, an amino acid with dissimilar properties. This alteration has been reported in Andersen-Tawil syndrome (ATS), catecholaminergic polymorphic ventricular tachycardia (CPVT), and long QT syndrome (LQTS) cohorts (Tester DJ et al. Heart Rhythm, 2006 Jul;3:800-5; Lieve KV et al. Genet Test Mol Biomarkers, 2013 Jul;17:553-61; Kimura H et al. Circ Cardiovasc Genet, 2012 Jun;5:344-53; Kostera-Pruszczyk A et al. Muscle Nerve, 2015 Feb;51:192-6; Rhodes T et al. Card Electrophysiol Clin, 2015 Sep;7:479-86; Krych M et al. J Cardiol, 2017 Nov;70:504-510). Functional studies indicate that this variant has a dominant negative impact on current density (Eckhardt LL et al. Heart Rhythm, 2007 Mar;4:323-9; Kimura H et al. Circ Cardiovasc Genet, 2012 Jun;5:344-53). In addition, a likely pathogenic alteration in the same codon (p.R82Q) has been described (Davies NP et al. Neurology. 2005 Oct 11;65(7):1083-9). This amino acid position is highly conserved in available vertebrate species. In addition, this alteration is predicted to be deleterious by in silico analysis. This variant is considered to be rare based on population cohorts in the Genome Aggregation Database (gnomAD). Based on the supporting evidence, this alteration is interpreted as a disease-causing mutation.

GeneDx
Classification: Pathogenic. Last evaluated: 2023-09-12. Review status: criteria provided, single submitter. Criteria: GeneDx Variant Classification Process June 2021. Collection method: clinical testing. Allele origin: germline. Affected: yes.
Comment: Not observed at significant frequency in large population cohorts (gnomAD); Published functional studies demonstrate variant has a dominant negative effect on channel current when co-expressed with wild-type (Eckhardt et al., 2007; Kimura et al., 2012; Le Tanno et al., 2021); In silico analysis supports that this missense variant has a deleterious effect on protein structure/function; This variant is associated with the following publications: (PMID: 17341397, 24025405, 23631430, 22589293, 24561538, 28336205, 31737537, 34899860, 16818210)

MVZ Martinsried, Medicover Genetics
Classification: Pathogenic for Andersen Tawil syndrome. Last evaluated: 2020-08-14. Review status: criteria provided, single submitter. Criteria: ACGS Guidelines, 2020. Collection method: clinical testing. Allele origin: unknown. Affected: yes.

Clinical Genetics Laboratory, Region Ostergotland
Classification: Pathogenic for Andersen Tawil syndrome. Last evaluated: 2020-03-04. Review status: criteria provided, single submitter. Criteria: ACMG Guidelines, 2015. Collection method: clinical testing. Allele origin: germline. Affected: yes.
Comment: PS4, PM2, PM5, PP3, PP5

Long QTc

Blueprint Genetics
Classification: Pathogenic for KCNJ2-related disorders. Last evaluated: 2018-03-19. Review status: criteria provided, single submitter. Criteria: ACMG Guidelines, 2015. Collection method: clinical testing. Allele origin: germline. Affected: yes. Observed: 4 variant alleles.

Juno Genomics, Hangzhou Juno Genomics, Inc
Classification: Pathogenic for Andersen Tawil syndrome; Atrial fibrillation, familial, 9; Short QT syndrome type 3. Review status: criteria provided, single submitter. Criteria: ACMG Guidelines, 2015. Collection method: clinical testing. Allele origin: germline.
Comment: Absent from controls (or at extremely low frequency if recessive) in Genome Aggregation Database.;Well-established in vitro or in vivo functional studies supportive of a damaging effect on the gene or gene product.;The prevalence of the variant in affected individuals is significantly increased compared to the prevalence in controls.;Assumed de novo, but without confirmation of paternity and maternity.;Patient's phenotype or family history is highly specific for a disease with a single genetic etiology.;Novel missense change at an amino acid residue where a different missense change determined to be pathogenic has been seen before.

Clinical Molecular Genetics Laboratory, Johns Hopkins All Children's Hospital
Classification: Pathogenic for Supraventricular tachycardia. Last evaluated: 2016-10-11. Review status: no assertion criteria provided. Collection method: clinical testing. Allele origin: germline. Affected: yes. Not counted in ClinVar's aggregate classification.

Cardiovascular Biomedical Research Unit, Royal Brompton & Harefield NHS Foundation Trust
No classification provided. Condition: Ventricular tachycardia. Review status: no classification provided. Collection method: literature only. Allele origin: germline. Not counted in ClinVar's aggregate classification.
Comment: This variant has been reported as associated with Ventricular tachycardia in the following publications (PMID:16818210;PMID:17341397). This is a literature report, and does not necessarily reflect the clinical interpretation of the Imperial College / Royal Brompton Cardiovascular Genetics laboratory.

Literature cited by the submitters: PubMed 16818210 (cited by 3 submitters); PubMed 17341397 (cited by 3 submitters); PubMed 22589293 (cited by Labcorp Genetics (formerly Invitae), Labcorp and Ambry Genetics); PubMed 16217063 (cited by Labcorp Genetics (formerly Invitae), Labcorp); PubMed 22806368 (cited by Labcorp Genetics (formerly Invitae), Labcorp); PubMed 23644778 (cited by Labcorp Genetics (formerly Invitae), Labcorp); PubMed 23631430 (cited by Ambry Genetics); PubMed 24861851 (cited by Ambry Genetics); PubMed 26304528 (cited by Ambry Genetics); PubMed 28336205 (cited by Ambry Genetics); PubMed 22581653 (cited by Cardiovascular Biomedical Research Unit, Royal Brompton & Harefield NHS Foundation Trust).